The following is an entry in ClinVar:

NM_002979.5(SCP2):c.1006A>G (p.Asn336Asp)

Gene: SCP2 (sterol carrier protein 2; plus strand). Cytogenetic location: 1p32.3.
Variant type: single nucleotide variant.
Coding change: c.1006A>G on transcript NM_002979.5 (MANE Select); coding-DNA position 1006, A replaced by G.
Protein change: p.Asn336Asp; replaces asparagine 336 with aspartic acid.
Molecular consequence: missense variant.
Genome position (GRCh38, 1-based): chr1:52,988,061, A>G. VCF-style: chr1-52988061-A-G. GRCh37 (hg19) VCF-style: chr1-53453733-A-G.
Other names: c.874A>G, p.Asn292Asp (NM_001007098.3, NM_001193600.2); c.934A>G, p.Asn312Asp (NM_001193599.2); c.763A>G, p.Asn255Asp (NM_001193617.2); c.1006A>G, p.Asn336Asp (NM_001330587.2); short protein forms N312D, N255D, N292D, N336D.
Identifiers: ClinVar variation 1522340 (VCV001522340.6), dbSNP rs774484298, ClinGen allele CA857277.

ClinVar aggregate classification (germline): Uncertain significance (1 of 4 stars; one submission).

Allele frequency attached by ClinVar (database versions not stated): gnomAD exomes below 0.00001; ExAC 0.00001; gnomAD 0.00001; TOPMed 0.00002.

Submission:

Labcorp Genetics (formerly Invitae), Labcorp
Classification: Uncertain significance. Last evaluated: 2022-11-01. Review status: criteria provided, single submitter. Criteria: Invitae Variant Classification Sherloc (09022015). Collection method: clinical testing. Allele origin: germline.
Comment: Algorithms developed to predict the effect of missense changes on protein structure and function are either unavailable or do not agree on the potential impact of this missense change (SIFT: "Deleterious"; PolyPhen-2: "Possibly Damaging"; Align-GVGD: "Class C15"). In summary, the available evidence is currently insufficient to determine the role of this variant in disease. Therefore, it has been classified as a Variant of Uncertain Significance. ClinVar contains an entry for this variant (Variation ID: 1522340). This sequence change replaces asparagine, which is neutral and polar, with aspartic acid, which is acidic and polar, at codon 336 of the SCP2 protein (p.Asn336Asp). This variant is present in population databases (rs774484298, gnomAD 0.008%). This variant has not been reported in the literature in individuals affected with SCP2-related conditions.